The following is an entry in ClinVar:

ClinVar aggregate classification (germline): Uncertain significance (1 of 4 stars; one submission).

Conditions:
Cardiovascular phenotype. Identifiers: MedGen CN230736.
Hereditary cancer-predisposing syndrome. Also called: Neoplastic Syndromes, Hereditary; Tumor predisposition; Hereditary Cancer Syndrome; Hereditary neoplastic syndrome. Identifiers: Orphanet 140162, MedGen C0027672, MeSH D009386, MONDO:0015356.

Submission:

Ambry Genetics
Classification: Uncertain significance for Cardiovascular phenotype; Hereditary cancer-predisposing syndrome. Last evaluated: 2026-06-26. Review status: criteria provided, single submitter. Criteria: Ambry Variant Classification Scheme 2023. Collection method: clinical testing. Allele origin: germline.
Comment: The p.G823A variant (also known as c.2468G>C), located in coding exon 21 of the NF1 gene, results from a G to C substitution at nucleotide position 2468. The glycine at codon 823 is replaced by alanine, an amino acid with similar properties. This amino acid position is conserved. In addition, this alteration is predicted to be tolerated by in silico analysis. Based on the available evidence, the clinical significance of this variant remains unclear.

NM_001042492.3(NF1):c.2468G>C (p.Gly823Ala)

Gene: NF1 (neurofibromin 1; plus strand). Cytogenetic location: 17q11.2.
Variant type: single nucleotide variant.
Coding change: c.2468G>C on transcript NM_001042492.3 (MANE Select); coding-DNA position 2468, G replaced by C.
Protein change: p.Gly823Ala; replaces glycine 823 with alanine.
Molecular consequence: missense variant.
Genome position (GRCh38, 1-based): chr17:31,229,083, G>C. VCF-style: chr17-31229083-G-C. GRCh37 (hg19) VCF-style: chr17-29556101-G-C.
Other names: c.2468G>C, p.Gly823Ala (NM_000267.4); short protein forms G823A.
Identifiers: ClinVar variation 3237682 (VCV003237682.2), dbSNP rs1060500267.